The following is an entry in ClinVar:

NM_001042492.3(NF1):c.3079_3106del (p.Asp1027fs)

Gene: NF1 (neurofibromin 1; plus strand). Cytogenetic location: 17q11.2.
Variant type: Deletion.
Coding change: c.3079_3106del on transcript NM_001042492.3 (MANE Select); coding-DNA positions 3079 to 3106, 28 bases deleted (GATGACCTCTCATTTTGCCAAGAGATGA).
Protein change: p.Asp1027fs; shifts the reading frame from aspartic acid 1027.
Molecular consequence: frameshift variant.
Genome position (GRCh38, 1-based): chr17:31,230,348-31,230,375, GATGACCTCTCATTTTGCCAAGAGATGA deleted; deleting any 28 consecutive bases within chr17:31,230,346-31,230,375 gives the same sequence; the c. name uses the placement nearest the transcript's 3' end. VCF-style (leftmost placement, unchanged base first): chr17-31230345-AGAGATGACCTCTCATTTTGCCAAGAGAT-A. GRCh37 (hg19) VCF-style: chr17-29557363-AGAGATGACCTCTCATTTTGCCAAGAGAT-A.
Other names: c.3079_3106del28, p.Asp1027Asnfs (NM_000267.4); c.3079_3106del28 (NM_000267.3); short protein forms D1027fs.
Identifiers: ClinVar variation 3404627 (VCV003404627.1).

ClinVar aggregate classification (germline): Pathogenic (1 of 4 stars; one submission).

Conditions:
Hereditary cancer-predisposing syndrome. Also called: Hereditary Cancer Syndrome; Tumor predisposition; Hereditary neoplastic syndrome; Neoplastic Syndromes, Hereditary. Identifiers: Orphanet 140162, MedGen C0027672, MeSH D009386, MONDO:0015356.
Cardiovascular phenotype. Identifiers: MedGen CN230736.

Submission:

Ambry Genetics
Classification: Pathogenic for Cardiovascular phenotype; Hereditary cancer-predisposing syndrome. Last evaluated: 2024-06-25. Review status: criteria provided, single submitter. Criteria: Ambry Variant Classification Scheme 2023. Collection method: clinical testing. Allele origin: germline.
Comment: The c.3079_3106del28 pathogenic mutation, located in coding exon 23 of the NF1 gene, results from a deletion of 28 nucleotides at nucleotide positions 3079 to 3106, causing a translational frameshift with a predicted alternate stop codon (p.D1027Nfs*7). This variant is considered to be rare based on population cohorts in the Genome Aggregation Database (gnomAD). This alteration is expected to result in loss of function by premature protein truncation or nonsense-mediated mRNA decay. As such, this alteration is interpreted as a disease-causing mutation.